The following is an entry in ClinVar:

NM_206933.4(USH2A):c.1888del (p.Ala630fs)

Gene: USH2A (usherin; minus strand). Cytogenetic location: 1q41.
Variant type: Deletion.
Coding change: c.1888del on transcript NM_206933.4 (MANE Select); coding-DNA position 1888, one base deleted (G; older notation c.1888delG).
Protein change: p.Ala630fs; shifts the reading frame from alanine 630.
Molecular consequence: frameshift variant.
Genome position (GRCh38, 1-based): chr1:216,289,363, C deleted on the plus strand (G on the coding strand, the reverse complement: USH2A is on the minus strand). VCF-style (leftmost placement, unchanged base first): chr1-216289362-GC-G. GRCh37 (hg19) VCF-style: chr1-216462704-GC-G.
Other names: c.1888del, p.Ala630fs (NM_007123.6); short protein forms A630fs.
Identifiers: ClinVar variation 1301385 (VCV001301385.1), dbSNP rs2102606427, ClinGen allele CA2573051486.

ClinVar aggregate classification (germline): Likely pathogenic (1 of 4 stars; one submission).

Conditions:
Usher syndrome. Also called: Usher Syndromes; Usher's syndrome. Identifiers: Orphanet 886, MedGen CN469326, MeSH D052245, MONDO:0019501. Disease mechanism: loss of function.

Submission:

Women's Health and Genetics/Laboratory Corporation of America, LabCorp
Classification: Likely pathogenic for Retinitis pigmentosa-deafness syndrome. Last evaluated: 2021-09-02. Review status: criteria provided, single submitter. Criteria: LabCorp Variant Classification Summary - May 2015. Collection method: clinical testing. Allele origin: germline.
Comment: Variant summary: USH2A c.1888delG (p.Ala630GlnfsX6) results in a premature termination codon, predicted to cause a truncation of the encoded protein or absence of the protein due to nonsense mediated decay, which are commonly known mechanisms for disease. Truncations downstream of this position have been classified as pathogenic by our laboratory. The variant was absent in 251366 control chromosomes. To our knowledge, no occurrence of c.1888delG in individuals affected with Usher Syndrome and no experimental evidence demonstrating its impact on protein function have been reported. No clinical diagnostic laboratories have submitted clinical-significance assessments for this variant to ClinVar after 2014. Based on the evidence outlined above, the variant was classified as likely pathogenic.